The following is an entry in ClinVar:

ClinVar aggregate classification (germline): Pathogenic (1 of 4 stars; one submission).

Conditions:
X-linked agammaglobulinemia with growth hormone deficiency (IGHD3). Also called: FLEISHER SYNDROME; HYPOGAMMAGLOBULINEMIA AND ISOLATED GROWTH HORMONE DEFICIENCY, X-LINKED; IGHD III; AGAMMAGLOBULINEMIA AND ISOLATED GROWTH HORMONE DEFICIENCY, X-LINKED; Isolated growth hormone deficiency type 3; Growth hormone deficiency with hypogammaglobulinemia. Identifiers: Orphanet 231692, Orphanet 631, MedGen C0472813, MONDO:0010615, OMIM 307200.

Submissions (2):

Labcorp Genetics (formerly Invitae), Labcorp
Classification: Pathogenic for X-linked agammaglobulinemia with growth hormone deficiency. Last evaluated: 2022-02-20. Review status: criteria provided, single submitter. Criteria: Invitae Variant Classification Sherloc (09022015). Collection method: clinical testing. Allele origin: germline.
Comment: This sequence change affects a donor splice site in intron 4 of the BTK gene. RNA analysis indicates that disruption of this splice site induces altered splicing and may result in an absent or disrupted protein product. This variant is not present in population databases (gnomAD no frequency). Disruption of this splice site has been observed in individuals with clinical features of X-linked agammaglobulinaemia (PMID: 7633420; Invitae). This variant is also known as c.441+1G>A. Studies have shown that disruption of this splice site results in skipping of exon 5 and introduces a premature termination codon (PMID: 7633420). The resulting mRNA is expected to undergo nonsense-mediated decay. For these reasons, this variant has been classified as Pathogenic.

Dr. Peter K. Rogan Lab, Western University
No classification provided (evidence only). Condition: Thyroid cancer, nonmedullary, 1. Review status: no classification provided. Collection method: in vitro. Allele origin: not applicable. Functional consequence: retained intron. Not counted in ClinVar's aggregate classification.

Literature cited by the submitters: PubMed 7633420 (cited by Labcorp Genetics (formerly Invitae), Labcorp).

NM_000061.3(BTK):c.309+1G>A

Gene: BTK (Bruton tyrosine kinase; minus strand). Cytogenetic location: Xq22.1.
Variant type: single nucleotide variant.
Coding change: c.309+1G>A on transcript NM_000061.3 (MANE Select); the canonical splice donor site of the intron after coding-DNA position 309, G replaced by A.
Molecular consequence: splice donor variant.
Genome position (GRCh38, 1-based): chrX:101,371,632, C>T on the plus strand (G>A on the coding strand, the complement: BTK is on the minus strand). VCF-style: chrX-101371632-C-T. GRCh37 (hg19) VCF-style: chrX-100626620-C-T.
Other names: c.411+1G>A (NM_001287344.2); c.309+1G>A (NM_001287345.2).
Identifiers: ClinVar variation 2138657 (VCV002138657.5), dbSNP rs1927036027, ClinGen allele CA413938016.